The following is an entry in ClinVar:

ClinVar aggregate classification (germline): Uncertain significance (0 of 4 stars; one submission).

Conditions:
PLXNA3-related disorder. Also called: PLXNA3-related condition.

gnomAD v4.1: 19 of 1,199,161 alleles (0.0016%); highest among the groups gnomAD compares: Non-Finnish European, 0.002%; no homozygotes.

Submission:

PreventionGenetics, part of Exact Sciences
Classification: Uncertain significance for PLXNA3-related condition. Last evaluated: 2024-03-23. Review status: no assertion criteria provided. Collection method: clinical testing. Allele origin: germline.
Comment: The PLXNA3 c.1954T>A variant is predicted to result in the amino acid substitution p.Tyr652Asn. To our knowledge, this variant has not been reported in the literature or in a large population database, indicating this variant is rare. At this time, the clinical significance of this variant is uncertain due to the absence of conclusive functional and genetic evidence.

NM_017514.5(PLXNA3):c.1954T>A (p.Tyr652Asn)

Gene: PLXNA3 (plexin A3; plus strand). Cytogenetic location: Xq28.
Variant type: single nucleotide variant.
Coding change: c.1954T>A on transcript NM_017514.5 (MANE Select); coding-DNA position 1954, T replaced by A.
Protein change: p.Tyr652Asn; replaces tyrosine 652 with asparagine.
Molecular consequence: missense variant.
Genome position (GRCh38, 1-based): chrX:154,464,779, T>A. VCF-style: chrX-154464779-T-A. GRCh37 (hg19) VCF-style: chrX-153693122-T-A.
Other names: short protein forms Y652N.
Identifiers: ClinVar variation 3355669 (VCV003355669.1).
Genomic context (GRCh38, chrX:154,464,779, plus strand): 5'-CTCCTCTGTTATTTCTGAAGCCACTTCCCCCCCAGGTGCATGTCCTGTGTTGGCAGCCCT[T>A]ACCCCTGCCACTGGTGTAAGTACCGCCACACGTGTACCAGCCGCCCCCACGAGTGCTCCT-3'
Protein context (NP_059984.3, residues 642-662): QSCMSCVGSP[Tyr652Asn]PCHWCKYRHT